The following is an entry in ClinVar:

NM_005739.4(RASGRP1):c.1184A>C (p.Gln395Pro)

Gene: RASGRP1 (RAS guanyl releasing protein 1; minus strand). Cytogenetic location: 15q14.
Variant type: single nucleotide variant.
Coding change: c.1184A>C on transcript NM_005739.4 (MANE Select); coding-DNA position 1184, A replaced by C.
Protein change: p.Gln395Pro; replaces glutamine 395 with proline.
Molecular consequence: missense variant.
Genome position (GRCh38, 1-based): chr15:38,507,784, T>G on the plus strand (A>C on the coding strand, the complement: RASGRP1 is on the minus strand). VCF-style: chr15-38507784-T-G. GRCh37 (hg19) VCF-style: chr15-38799985-T-G.
Other names: c.1184A>C, p.Gln395Pro (NM_001128602.2, NM_001306086.2); short protein forms Q395P.
Identifiers: ClinVar variation 2873852 (VCV002873852.3), dbSNP rs2542885103, ClinGen allele CA391666039.

ClinVar aggregate classification (germline): Uncertain significance (1 of 4 stars; one submission).

Submission:

Labcorp Genetics (formerly Invitae), Labcorp
Classification: Uncertain significance. Last evaluated: 2023-10-24. Review status: criteria provided, single submitter. Criteria: Invitae Variant Classification Sherloc (09022015). Collection method: clinical testing. Allele origin: germline.
Comment: This sequence change replaces glutamine, which is neutral and polar, with proline, which is neutral and non-polar, at codon 395 of the RASGRP1 protein (p.Gln395Pro). This variant is not present in population databases (gnomAD no frequency). This variant has not been reported in the literature in individuals affected with RASGRP1-related conditions. Advanced modeling of protein sequence and biophysical properties (such as structural, functional, and spatial information, amino acid conservation, physicochemical variation, residue mobility, and thermodynamic stability) has been performed at Invitae for this missense variant, however the output from this modeling did not meet the statistical confidence thresholds required to predict the impact of this variant on RASGRP1 protein function. In summary, the available evidence is currently insufficient to determine the role of this variant in disease. Therefore, it has been classified as a Variant of Uncertain Significance.